The following is an entry in ClinVar:

ClinVar aggregate classification (germline): Uncertain significance (1 of 4 stars; one submission).

Submission:

Labcorp Genetics (formerly Invitae), Labcorp
Classification: Uncertain significance. Last evaluated: 2022-01-18. Review status: criteria provided, single submitter. Criteria: Invitae Variant Classification Sherloc (09022015). Collection method: clinical testing. Allele origin: germline.
Comment: This sequence change replaces proline, which is neutral and non-polar, with serine, which is neutral and polar, at codon 444 of the EYS protein (p.Pro444Ser). This variant is not present in population databases (gnomAD no frequency). This variant has not been reported in the literature in individuals affected with EYS-related conditions. Algorithms developed to predict the effect of missense changes on protein structure and function output the following: SIFT: "Tolerated"; PolyPhen-2: "Benign"; Align-GVGD: "Class C0". The serine amino acid residue is found in multiple mammalian species, which suggests that this missense change does not adversely affect protein function. In summary, the available evidence is currently insufficient to determine the role of this variant in disease. Therefore, it has been classified as a Variant of Uncertain Significance.

NM_001142800.2(EYS):c.1330C>T (p.Pro444Ser)

Gene: EYS (eyes shut homolog; minus strand). Cytogenetic location: 6q12.
Variant type: single nucleotide variant.
Coding change: c.1330C>T on transcript NM_001142800.2 (MANE Select); coding-DNA position 1330, C replaced by T.
Protein change: p.Pro444Ser; replaces proline 444 with serine.
Molecular consequence: missense variant.
Genome position (GRCh38, 1-based): chr6:65,353,587, G>A on the plus strand (C>T on the coding strand, the complement: EYS is on the minus strand). VCF-style: chr6-65353587-G-A. GRCh37 (hg19) VCF-style: chr6-66063480-G-A.
Other names: c.1330C>T, p.Pro444Ser (NM_001142801.2, NM_001292009.2, NM_198283.2); short protein forms P444S.
Identifiers: ClinVar variation 1447881 (VCV001447881.5), dbSNP rs1764367580, ClinGen allele CA364661891.